The following is an entry in ClinVar:

ClinVar aggregate classification (germline): Pathogenic (1 of 4 stars; one submission).

Conditions:
Developmental and epileptic encephalopathy, 54. Also called: Epileptic encephalopathy, early infantile, 54; HNRNPU-Related Neurodevelopmental Disorder. Identifiers: MedGen C4479319, MONDO:0033363, OMIM 617391.

Submission:

Labcorp Genetics (formerly Invitae), Labcorp
Classification: Pathogenic for Developmental and epileptic encephalopathy, 54. Last evaluated: 2017-04-12. Review status: criteria provided, single submitter. Criteria: Invitae Variant Classification Sherloc (09022015). Collection method: clinical testing. Allele origin: germline.
Comment: For these reasons, this variant has been classified as Pathogenic. While this particular variant has not been reported in the literature, loss-of-function variants in HNRNPU are known to be pathogenic (PMID: 25356970, 23934111, 25356899) This sequence change creates a premature translational stop signal at codon 103 (p.Gln103*) of the HNRNPU gene. It is expected to result in an absent or disrupted protein product.

Literature cited by the submitters: PubMed 25356970; PubMed 23934111; PubMed 25356899.

NM_031844.3(HNRNPU):c.307C>T (p.Gln103Ter)

Gene: HNRNPU (heterogeneous nuclear ribonucleoprotein U; minus strand). Cytogenetic location: 1q44.
Variant type: single nucleotide variant.
Coding change: c.307C>T on transcript NM_031844.3 (MANE Select); coding-DNA position 307, C replaced by T.
Protein change: p.Gln103Ter; replaces glutamine 103 with a stop codon.
Molecular consequence: nonsense.
Genome position (GRCh38, 1-based): chr1:244,864,001, G>A on the plus strand (C>T on the coding strand, the complement: HNRNPU is on the minus strand). VCF-style: chr1-244864001-G-A. GRCh37 (hg19) VCF-style: chr1-245027303-G-A.
Other names: c.307C>T, p.Gln103Ter (NM_004501.3); short protein forms Q103*.
Identifiers: ClinVar variation 406728 (VCV000406728.9), dbSNP rs1553283951, ClinGen allele CA16610079.